The following is an entry in ClinVar:

ClinVar aggregate classification (germline): Conflicting classifications of pathogenicity. Review status: criteria provided, conflicting classifications (1 of 4 stars). 12 submissions from 11 submitters: Uncertain significance (2); Benign (2); Likely benign (8). Last evaluated 2026-02-04.

Conditions:
Cardiovascular phenotype. Identifiers: MedGen CN230736.
Walker-Warburg congenital muscular dystrophy. Also called: Muscular dystrophy-dystroglycanopathy, type A; Walker-Warburg syndrome. Identifiers: Orphanet 899, MedGen C0265221, MONDO:0000171.
Cardiomyopathy (CMYO). Also called: Cardiomyopathies. Identifiers: Orphanet 167848, MedGen C0878544, MONDO:0004994, HP:0001638. Inheritance: Various modes of inheritance.
Muscular dystrophy-dystroglycanopathy (congenital with brain and eye anomalies), type A, 4 (MDDGA4). Also called: Muscular dystrophy, congenital progressive, with mental retardation; Muscular dystrophy, congenital, with central nervous system involvement; Cerebromuscular dystrophy, Fukuyama type; WALKER-WARBURG SYNDROME OR MUSCLE-EYE-BRAIN DISEASE, FKTN-RELATED; Fukuyama congenital muscular dystrophy; Congenital muscular dystrophy-dystroglycanopathy with brain and eye anomalies, type A4. Identifiers: Orphanet 272, Orphanet 588, Orphanet 899, MedGen C0410174, MONDO:0009678, OMIM 253800.
Dilated cardiomyopathy 1X (CMD1X). Also called: CARDIOMYOPATHY, DILATED, WITH MILD OR NO PROXIMAL MUSCLE WEAKNESS; FKTN-Related Dilated Cardiomyopathy. Identifiers: Orphanet 154, MedGen C1969024, MONDO:0012704, OMIM 611615.

Allele frequency attached by ClinVar (database versions not stated): TOPMed 0.00021; ESP Exome Variant Server 0.00023.
gnomAD v4.1: 844 of 1,612,126 alleles (0.052%); highest among the groups gnomAD compares: Non-Finnish European, 0.02%; 3 homozygotes.

Submissions (12):

Labcorp Genetics (formerly Invitae), Labcorp
Classification: Benign for Walker-Warburg congenital muscular dystrophy. Last evaluated: 2026-02-04. Review status: criteria provided, single submitter. Criteria: Invitae Variant Classification Sherloc (09022015). Collection method: clinical testing. Allele origin: germline.

Molecular Diagnostic Laboratory for Inherited Cardiovascular Disease, Montreal Heart Institute
Classification: Benign. Last evaluated: 2025-04-09. Review status: criteria provided, single submitter. Criteria: ACMG Guidelines, 2015. Collection method: clinical testing. Allele origin: germline. Affected: no.

Laboratory of Genetics, Children's Clinical University Hospital Latvia
Classification: Likely benign. Last evaluated: 2025-02-16. Review status: criteria provided, single submitter. Criteria: ACMG Guidelines, 2015. Collection method: clinical testing. Allele origin: germline. Affected: yes.

Blueprint Genetics
Classification: Likely benign. Last evaluated: 2024-11-15. Review status: criteria provided, single submitter. Criteria: ACMG Guidelines, 2015. Collection method: clinical testing. Allele origin: germline.

ARUP Laboratories, Molecular Genetics and Genomics, ARUP Laboratories
Classification: Likely benign. Last evaluated: 2024-06-12. Review status: criteria provided, single submitter. Criteria: ARUP Molecular Germline Variant Investigation Process 2024. Collection method: clinical testing. Allele origin: germline.

CeGaT Center for Human Genetics Tuebingen
Classification: Likely benign. Last evaluated: 2023-08-01. Review status: criteria provided, single submitter. Criteria: CeGaT Center For Human Genetics Tuebingen Variant Classification Criteria Version 2. Collection method: clinical testing. Allele origin: germline. Affected: yes. Observed: 2 variant alleles.
Comment: FKTN: BP4, BP7

GeneDx
Classification: Likely benign. Last evaluated: 2021-06-17. Review status: criteria provided, single submitter. Criteria: GeneDx Variant Classification Process June 2021. Collection method: clinical testing. Allele origin: germline. Affected: yes.

Illumina Laboratory Services, Illumina
Classification: Uncertain significance for Muscular dystrophy-dystroglycanopathy (congenital with brain and eye anomalies), type A, 4. Last evaluated: 2018-01-13. Review status: criteria provided, single submitter. Criteria: ICSL Variant Classification Criteria 13 December 2019. Collection method: clinical testing. Allele origin: germline.

Illumina Laboratory Services, Illumina
Classification: Uncertain significance for Dilated cardiomyopathy 1X. Last evaluated: 2018-01-13. Review status: criteria provided, single submitter. Criteria: ICSL Variant Classification Criteria 13 December 2019. Collection method: clinical testing. Allele origin: germline.

Ambry Genetics
Classification: Likely benign for Cardiovascular phenotype. Last evaluated: 2017-11-27. Review status: criteria provided, single submitter. Criteria: Ambry Variant Classification Scheme 2023. Collection method: clinical testing. Allele origin: germline.

Eurofins Ntd Llc (ga)
Classification: Likely benign. Last evaluated: 2015-12-08. Review status: criteria provided, single submitter. Criteria: EGL Classification Definitions 2015. Collection method: clinical testing. Allele origin: germline. Observed: 1 variant allele, 1 heterozygote.

Women's Health and Genetics/Laboratory Corporation of America, LabCorp
Classification: Likely benign for Cardiomyopathy. Last evaluated: 2011-08-18. Review status: criteria provided, single submitter. Criteria: LabCorp Variant Classification Summary - May 2015. Collection method: curation. Allele origin: germline. Inheritance: autosomal unknown. Affected: yes.
ClinVar note: Converted during submission from likely benign to Likely benign.

NM_001079802.2(FKTN):c.1023G>A (p.Pro341=)

Gene: FKTN (fukutin; plus strand). Cytogenetic location: 9q31.2.
Variant type: single nucleotide variant.
Coding change: c.1023G>A on transcript NM_001079802.2 (MANE Select); coding-DNA position 1023, G replaced by A.
Protein change: p.Pro341=; no amino-acid change (proline 341 retained).
Molecular consequence: synonymous variant. On other transcripts: non-coding transcript variant (1).
Genome position (GRCh38, 1-based): chr9:105,618,071, G>A. VCF-style: chr9-105618071-G-A. GRCh37 (hg19) VCF-style: chr9-108380352-G-A.
Other names: c.1023G>A, p.Pro341= (NM_001198963.2, NM_001351496.2, NM_001351498.2 and 1 more transcripts); c.954G>A, p.Pro318= (NM_001351497.2); c.627G>A, p.Pro209= (NM_001351499.2, NM_001351500.2, NM_001351501.2 and 1 more transcripts).
Identifiers: ClinVar variation 36136 (VCV000036136.55), dbSNP rs146967918, ClinGen allele CA325737.